The following is an entry in ClinVar:

NM_000384.3(APOB):c.11417C>T (p.Ser3806Phe)

Gene: APOB (apolipoprotein B; minus strand). Cytogenetic location: 2p24.1.
Variant type: single nucleotide variant.
Coding change: c.11417C>T on transcript NM_000384.3 (MANE Select); coding-DNA position 11417, C replaced by T.
Protein change: p.Ser3806Phe; replaces serine 3806 with phenylalanine.
Molecular consequence: missense variant.
Genome position (GRCh38, 1-based): chr2:21,005,451, G>A on the plus strand (C>T on the coding strand, the complement: APOB is on the minus strand). VCF-style: chr2-21005451-G-A. GRCh37 (hg19) VCF-style: chr2-21228323-G-A.
Other names: short protein forms S3806F.
Identifiers: ClinVar variation 2921149 (VCV002921149.1), dbSNP rs1236683142, ClinGen allele CA345979031.
Genomic context (GRCh38, chr2:21,005,451, plus strand): 5'-GTGAACTGGGACACAGTTAACTGAGATTCAGGCACGGTTATCTCAAAAAAGGGAATCAAG[G>A]AGTCTTCTGGTTGAGAATATTTTGTTAACACATCAACTTCAGGGAATTTTACCTCGGGGA-3'
Protein context (NP_000375.3, residues 3796-3816): VLTKYSQPED[Ser3806Phe]LIPFFEITVP

ClinVar aggregate classification (germline): Uncertain significance (1 of 4 stars; one submission).

gnomAD v4.1: 1 of 1,614,100 alleles (0.000062%); no homozygotes.

Submission:

ARUP Laboratories, Molecular Genetics and Genomics, ARUP Laboratories
Classification: Uncertain significance. Last evaluated: 2023-10-19. Review status: criteria provided, single submitter. Criteria: ARUP Molecular Germline Variant Investigation Process 2024. Collection method: clinical testing. Allele origin: germline.
Comment: The APOB c.11417C>T; p.Ser3806Phe variant (rs1236683142), to our knowledge, is not reported in the medical literature or gene specific databases. This variant is only observed on one allele in the Genome Aggregation Database, indicating it is not a common polymorphism. Computational analyses predict that this variant is neutral (REVEL: 0.123). Due to limited information, the clinical significance of this variant is uncertain at this time.